The following is an entry in ClinVar:

ClinVar aggregate classification (germline): Uncertain significance (1 of 4 stars; one submission).

Conditions:
Charcot-Marie-Tooth disease type 2. Also called: Charcot-Marie-Tooth type 2. Identifiers: Orphanet 64746, MedGen C0270914, MONDO:0018993.

Allele frequency attached by ClinVar (database versions not stated): gnomAD exomes below 0.00001.
gnomAD v4.1: 1 of 1,614,138 alleles (0.000062%); highest among the groups gnomAD compares: Non-Finnish European, 0.000085%; no homozygotes.

Submission:

Labcorp Genetics (formerly Invitae), Labcorp
Classification: Uncertain significance for Charcot-Marie-Tooth disease type 2. Last evaluated: 2023-08-18. Review status: criteria provided, single submitter. Criteria: Invitae Variant Classification Sherloc (09022015). Collection method: clinical testing. Allele origin: germline.
Comment: This sequence change replaces asparagine, which is neutral and polar, with serine, which is neutral and polar, at codon 315 of the GARS protein (p.Asn315Ser). In summary, the available evidence is currently insufficient to determine the role of this variant in disease. Therefore, it has been classified as a Variant of Uncertain Significance. This variant has not been reported in the literature in individuals affected with GARS-related conditions. This variant is not present in population databases (gnomAD no frequency). Advanced modeling of protein sequence and biophysical properties (such as structural, functional, and spatial information, amino acid conservation, physicochemical variation, residue mobility, and thermodynamic stability) performed at Invitae indicates that this missense variant is not expected to disrupt GARS protein function.

NM_002047.4(GARS1):c.944A>G (p.Asn315Ser)

Gene: GARS1 (glycyl-tRNA synthetase 1; plus strand). Cytogenetic location: 7p14.3.
Variant type: single nucleotide variant.
Coding change: c.944A>G on transcript NM_002047.4 (MANE Select); coding-DNA position 944, A replaced by G.
Protein change: p.Asn315Ser; replaces asparagine 315 with serine.
Molecular consequence: missense variant.
Genome position (GRCh38, 1-based): chr7:30,612,158, A>G. VCF-style: chr7-30612158-A-G. GRCh37 (hg19) VCF-style: chr7-30651774-A-G.
Other names: c.782A>G, p.Asn261Ser (NM_001316772.1); short protein forms N261S, N315S.
Identifiers: ClinVar variation 3020742 (VCV003020742.3), dbSNP rs2534305943, ClinGen allele CA367125022.
Genomic context (GRCh38, chr7:30,612,158, plus strand): 5'-ACTTGAGACCAGAAACTGCACAGGGGATTTTCTTGAATTTCAAACGACTTTTGGAGTTCA[A>G]CCAAGGAAAGTTGCCTTTTGCTGCTGCCCAGATTGGAAATTCTTTTAGAAATGAGATCTC-3'
Protein context (NP_002038.2, residues 305-325): FLNFKRLLEF[Asn315Ser]QGKLPFAAAQ